The following is an entry in ClinVar:

NC_000009.12:g.(?_134789143)_(134789218_?)dup

Gene: COL5A1 (collagen type V alpha 1 chain; plus strand). Cytogenetic location: 9q34.3.
Variant type: Duplication.
Identifiers: ClinVar variation 832634 (VCV000832634.8).

ClinVar aggregate classification (germline): Uncertain significance. Review status: criteria provided, single submitter (1 of 4 stars). 2 submissions from 1 submitter: Uncertain significance (2). Last evaluated 2022-07-19.

Conditions:
Ehlers-Danlos syndrome, classic type (cEDS). Identifiers: Orphanet 287, MedGen C4225429, MONDO:0007522.
Ehlers-Danlos syndrome, classic type, 1 (EDSCL1). Also called: Ehlers-Danlos syndrome, type 1; Ehlers-Danlos Syndrome, Classic Type, COL5A1-Related; EDS I; EHLERS-DANLOS SYNDROME, GRAVIS TYPE; EHLERS-DANLOS SYNDROME, SEVERE CLASSIC TYPE. Identifiers: MedGen C0268335, MONDO:0019567, OMIM 130000.

Submissions (2):

Labcorp Genetics (formerly Invitae), Labcorp
Classification: Uncertain significance for Ehlers-Danlos syndrome, classic type, 1. Last evaluated: 2022-07-19. Review status: criteria provided, single submitter. Criteria: Invitae Variant Classification Sherloc (09022015). Collection method: clinical testing. Allele origin: germline.
Comment: In summary, the available evidence is currently insufficient to determine the role of this variant in disease. Therefore, it has been classified as a Variant of Uncertain Significance. Experimental studies and prediction algorithms are not available or were not evaluated, and the functional significance of this variant is currently unknown. This variant has not been reported in the literature in individuals affected with COL5A1-related conditions. This variant results in a copy number gain of the genomic region encompassing exon(s) 32 of the COL5A1 gene. While the exact position of this variant cannot be determined from the data, sub-genic copy number gains are generally in tandem (PMID: 25640679). This variant is predicted to be in-frame, and likely preserves the integrity of the reading frame.

Labcorp Genetics (formerly Invitae), Labcorp
Classification: Uncertain significance for Ehlers-Danlos syndrome, type 1. Last evaluated: 2019-12-12. Review status: criteria provided, single submitter. Criteria: Invitae Variant Classification Sherloc (09022015). Collection method: clinical testing. Allele origin: germline.
Comment: This variant results in a copy number gain of the genomic region encompassing exons 32 of the COL5A1 gene. While the exact position of this variant cannot be determined from this data, sub-genic copy number gains are generally in tandem (PMID: 25640679). This variant would be expected to be in-frame, preserving the integrity of the reading frame. This variant has not been reported in the literature in individuals with COL5A1-related conditions. Experimental studies and prediction algorithms are not available or were not evaluated for this variant, and the functional significance of this variant is currently unknown. In summary, the available evidence is currently insufficient to determine the role of this variant in disease. Therefore, it has been classified as a Variant of Uncertain Significance.

Literature cited by the submitters: PubMed 25640679.